The following is an entry in ClinVar:

ClinVar aggregate classification (germline): Benign. Review status: criteria provided, multiple submitters, no conflicts (2 of 4 stars). 5 submissions from 5 submitters: Benign (5). Last evaluated 2026-02-03.

Conditions:
Developmental and epileptic encephalopathy 94 (DEE94). Also called: Epileptic encephalopathy, childhood-onset; CHD2-Related Neurodevelopmental Disorders. Identifiers: Orphanet 1942, Orphanet 2382, MedGen C3809278, MONDO:0014150, OMIM 615369.

Allele frequency attached by ClinVar (database versions not stated): ESP Exome Variant Server 0.00054; gnomAD exomes 0.00434 and 0.01743; gnomAD 0.00778 and 0.00801; ExAC 0.01334; 1000 Genomes Project 0.01438; TOPMed 0.01447; 1000 Genomes Project 30x 0.01608.
gnomAD v4.1: 7,553 of 1,609,170 alleles (0.47%); highest among the groups gnomAD compares: Admixed American, 11%; 444 homozygotes.

Submissions (5):

Labcorp Genetics (formerly Invitae), Labcorp
Classification: Benign for Developmental and epileptic encephalopathy 94. Last evaluated: 2026-02-03. Review status: criteria provided, single submitter. Criteria: Invitae Variant Classification Sherloc (09022015). Collection method: clinical testing. Allele origin: germline.

Unidad de Genómica Garrahan, Hospital de Pediatría Garrahan
Classification: Benign. Last evaluated: 2024-07-15. Review status: criteria provided, single submitter. Criteria: ACMG Guidelines, 2015. Collection method: clinical testing. Allele origin: germline. Affected: no. Observed: 28 variant alleles.
Comment: This variant is classified as Benign based on local population frequency. This variant was detected in 30% of patients studied in a panel designed for Epileptic and Developmental Encephalopathy and Progressive Myoclonus Epilepsy. Number of patients: 28. Only high quality variants are reported.

GeneDx
Classification: Benign. Last evaluated: 2016-01-20. Review status: criteria provided, single submitter. Criteria: GeneDx Variant Classification (06012015). Collection method: clinical testing. Allele origin: germline. Affected: yes.
Comment: This variant is considered likely benign or benign based on one or more of the following criteria: it is a conservative change, it occurs at a poorly conserved position in the protein, it is predicted to be benign by multiple in silico algorithms, and/or has population frequency not consistent with disease.

Breakthrough Genomics
Classification: Benign. Review status: criteria provided, single submitter. Criteria: ACMG Guidelines, 2015. Collection method: not provided. Allele origin: germline. Inheritance: Autosomal dominant inheritance. Affected: yes.

PreventionGenetics, part of Exact Sciences
Classification: Benign. Review status: criteria provided, single submitter. Criteria: ACMG Guidelines, 2015. Collection method: clinical testing. Allele origin: germline.

NM_001271.4(CHD2):c.693-20C>T

Gene: CHD2 (chromodomain helicase DNA binding protein 2; plus strand). Cytogenetic location: 15q26.1.
Variant type: single nucleotide variant.
Coding change: c.693-20C>T on transcript NM_001271.4 (MANE Select); 20 bases into the intron before coding-DNA position 693, C replaced by T.
Molecular consequence: intron variant.
Genome position (GRCh38, 1-based): chr15:92,941,802, C>T. VCF-style: chr15-92941802-C-T. GRCh37 (hg19) VCF-style: chr15-93485032-C-T.
Other names: c.693-20C>T (NM_001042572.3).
Identifiers: ClinVar variation 257715 (VCV000257715.12), dbSNP rs141271290, ClinGen allele CA7747614.